The following is an entry in ClinVar:

NM_000388.4(CASR):c.1572C>G (p.Asn524Lys)

Gene: CASR (calcium sensing receptor; plus strand). Cytogenetic location: 3q21.1.
Variant type: single nucleotide variant.
Coding change: c.1572C>G on transcript NM_000388.4 (MANE Select); coding-DNA position 1572, C replaced by G.
Protein change: p.Asn524Lys; replaces asparagine 524 with lysine.
Molecular consequence: missense variant.
Genome position (GRCh38, 1-based): chr3:122,276,006, C>G. VCF-style: chr3-122276006-C-G. GRCh37 (hg19) VCF-style: chr3-121994853-C-G.
Other names: c.1572C>G, p.Asn524Lys (NM_001178065.2); c.1572C>G (NM_000388.3); short protein forms N524K.
Identifiers: ClinVar variation 1012115 (VCV001012115.10), dbSNP rs776534485, ClinGen allele CA354155483.
Genomic context (GRCh38, chr3:122,276,006, plus strand): 5'-GTTTAAGGAAGTCGGGTATTACAACGTCTATGCCAAGAAGGGAGAAAGACTCTTCATCAA[C>G]GAGGAGAAAATCCTGTGGAGTGGGTTCTCCAGGGAGGTAGGTGCTGTCCATCAGAAAACC-3'
Protein context (NP_000379.3, residues 514-534): YAKKGERLFI[Asn524Lys]EEKILWSGFS

ClinVar aggregate classification (germline): Uncertain significance. Review status: criteria provided, multiple submitters, no conflicts (2 of 4 stars). 2 submissions from 2 submitters: Uncertain significance (2). Last evaluated 2023-04-18.

Conditions:
Autosomal dominant hypocalcemia 1 (HYPOC1). Also called: HYPOCALCEMIA, FAMILIAL. Identifiers: MedGen C3715128, MONDO:0011013, OMIM 601198.
Familial hypocalciuric hypercalcemia (FHH). Also called: Familial benign hypercalcemia. Identifiers: Orphanet 405, MedGen C1809471, MONDO:0018458.
Nephrolithiasis/nephrocalcinosis. Identifiers: MedGen CN580796.

Allele frequency attached by ClinVar (database versions not stated): gnomAD 0.00001.

Submissions (2):

Ambry Genetics
Classification: Uncertain significance for Nephrolithiasis/nephrocalcinosis. Last evaluated: 2023-04-18. Review status: criteria provided, single submitter. Criteria: Ambry Variant Classification Scheme 2023. Collection method: clinical testing. Allele origin: germline.
Comment: The p.N524K variant (also known as c.1572C>G), located in coding exon 4 of the CASR gene, results from a C to G substitution at nucleotide position 1572. The asparagine at codon 524 is replaced by lysine, an amino acid with similar properties. This amino acid position is conserved. In addition, this alteration is predicted to be tolerated by in silico analysis. Since supporting evidence is limited at this time, the clinical significance of this alteration remains unclear.

Labcorp Genetics (formerly Invitae), Labcorp
Classification: Uncertain significance for Familial hypocalciuric hypercalcemia; Autosomal dominant hypocalcemia 1. Last evaluated: 2020-03-03. Review status: criteria provided, single submitter. Criteria: Invitae Variant Classification Sherloc (09022015). Collection method: clinical testing. Allele origin: germline.
Comment: In summary, the available evidence is currently insufficient to determine the role of this variant in disease. Therefore, it has been classified as a Variant of Uncertain Significance. Algorithms developed to predict the effect of missense changes on protein structure and function (SIFT, PolyPhen-2, Align-GVGD) all suggest that this variant is likely to be disruptive, but these predictions have not been confirmed by published functional studies and their clinical significance is uncertain. This variant has not been reported in the literature in individuals with CASR-related conditions. This variant is not present in population databases (ExAC no frequency). This sequence change replaces asparagine with lysine at codon 524 of the CASR protein (p.Asn524Lys). The asparagine residue is highly conserved and there is a moderate physicochemical difference between asparagine and lysine.